The following is an entry in ClinVar:

ClinVar aggregate classification (germline): Pathogenic. Review status: reviewed by expert panel (3 of 4 stars). 12 submissions from 12 submitters: Pathogenic (1). 11 of the submissions do not count toward it. Last evaluated 2016-09-08.

Conditions:
Breast neoplasm. Also called: Neoplasm of breast; Breast tumor; Breast Neoplasms; Neoplasm of the breast. Identifiers: MedGen C1458155, MeSH D001943, MONDO:0021100, HP:0100013. Disease mechanism: gain of function.
Hereditary cancer-predisposing syndrome. Also called: Neoplastic Syndromes, Hereditary; Tumor predisposition; Hereditary Cancer Syndrome; Hereditary neoplastic syndrome. Identifiers: Orphanet 140162, MedGen C0027672, MeSH D009386, MONDO:0015356.
Hereditary breast ovarian cancer syndrome. Also called: Hereditary breast and/or ovarian cancer syndrome; Hereditary breast and ovarian cancer syndrome; Hereditary breast and ovarian cancer; Hereditary breast and ovarian cancer syndrome (HBOC); Breast and ovarian cancer; BRCA1- and BRCA2-Associated Hereditary Breast and Ovarian Cancer. Identifiers: Orphanet 145, MedGen C0677776, MeSH D061325, MONDO:0003582. Disease mechanism: loss of function.
Breast-ovarian cancer, familial, susceptibility to, 1 (BROVCA1). Also called: OVARIAN CANCER, SUSCEPTIBILITY TO; BRCA1 Hereditary Breast and Ovarian Cancer. Identifiers: Orphanet 145, MedGen C2676676, MONDO:0011450, OMIM 604370. Disease mechanism: loss of function.

Submissions (12):

Evidence-based Network for the Interpretation of Germline Mutant Alleles (ENIGMA)
Classification: Pathogenic for Breast-ovarian cancer, familial, susceptibility to, 1. Last evaluated: 2016-09-08. Review status: reviewed by expert panel. Criteria: ENIGMA BRCA1/2 Classification Criteria (2015). Collection method: curation. Allele origin: germline.
Comment: Variant allele predicted to encode a truncated non-functional protein.

Labcorp Genetics (formerly Invitae), Labcorp
Classification: Pathogenic for Hereditary breast ovarian cancer syndrome. Last evaluated: 2025-11-24. Review status: criteria provided, single submitter. Criteria: Invitae Variant Classification Sherloc (09022015). Collection method: clinical testing. Allele origin: germline. Not counted in ClinVar's aggregate classification.
Comment: This sequence change creates a premature translational stop signal (p.Lys1601*) in the BRCA1 gene. It is expected to result in an absent or disrupted protein product. Loss-of-function variants in BRCA1 are known to be pathogenic (PMID: 20104584). This variant is not present in population databases (gnomAD no frequency). This premature translational stop signal has been observed in individual(s) with breast and ovarian cancer and/or ovarian cancer and thyroid cancer (PMID: 18006916, 22776961, 25480878, 26221963, 26402875, 27257965, 28294317, 28724667). This variant is also known as A4920T and 4920A>T. ClinVar contains an entry for this variant (Variation ID: 55290). Algorithms developed to predict the effect of sequence changes on RNA splicing suggest that this variant may disrupt the consensus splice site. For these reasons, this variant has been classified as Pathogenic.

Quest Diagnostics Nichols Institute San Juan Capistrano
Classification: Pathogenic. Last evaluated: 2025-04-02. Review status: criteria provided, single submitter. Criteria: Quest Diagnostics criteria. Collection method: clinical testing. Allele origin: unknown. Not counted in ClinVar's aggregate classification.
Comment: The BRCA1 c.4801A>T (p.Lys1601*) variant causes the premature termination of BRCA1 protein synthesis. This variant has been reported in the published literature in individuals with breast cancer (PMIDs: 29805665 (2018), 32879886 (2020), 33194720 (2020), 33471991 (2021), see also LOVD)) and ovarian cancer (PMIDs: 26402875 (2015), 30309222 (2019), 30972954 (2019), 33850850 (2021)). This variant has not been reported in large, multi-ethnic general populations (Genome Aggregation Database). Based on the available information, this variant is classified as pathogenic.

Ambry Genetics
Classification: Pathogenic for Hereditary cancer-predisposing syndrome. Last evaluated: 2024-11-13. Review status: criteria provided, single submitter. Criteria: Ambry Variant Classification Scheme 2023. Collection method: clinical testing. Allele origin: germline. Not counted in ClinVar's aggregate classification.
Comment: The p.K1601* pathogenic mutation (also known as c.4801A>T), located in coding exon 14 of the BRCA1 gene, results from an A to T substitution at nucleotide position 4801. This changes the amino acid from a lysine to a stop codon within coding exon 14. This mutation, also referred to as 4920A>T in the literature, has been seen in multiple patients with a personal and family history of breast and ovarian cancer, including multiple individuals of Asian ancestry (Schrader KA et al. Obstet Gynecol 2012 Aug;120(2 Pt 1):235-40; Ang P et al. Cancer Epidemiol. Biomarkers Prev. 2007 Nov;16(11):2276-84; Choi MC et al. Int. J. Gynecol. Cancer 2015 Oct;25(8):1386-91; Zhang J et al. Breast Cancer Res. Treat. 2016 Aug;158(3):455-62; Kwon BS et al. Cancer Res Treat 2018 Oct; Shi T et al. Int. J. Cancer 2017 05;140:2051-2059; Sun J et al. Clin. Cancer Res. 2017 Oct;23:6113-6119). In silico splice site analysis predicts that this alteration will result in the creation or strengthening of a novel splice donor site. RNA studies have demonstrated that this alteration results in abnormal splicing in the set of samples tested (Ambry internal data). In addition to the clinical data presented in the literature, this alteration is expected to result in loss of function by premature protein truncation or nonsense-mediated mRNA decay. As such, this alteration is interpreted as a disease-causing mutation.

3DMed Clinical Laboratory Inc
Classification: Pathogenic for Neoplasm of the breast. Last evaluated: 2018-05-21. Review status: criteria provided, single submitter. Criteria: ACMG Guidelines, 2015. Collection method: clinical testing. Allele origin: germline. Affected: yes. Not counted in ClinVar's aggregate classification.

Laboratory of Molecular Diagnosis of Cancer, West China Hospital, Sichuan University
Classification: Pathogenic for Breast neoplasm. Last evaluated: 2015-11-01. Review status: criteria provided, single submitter. Criteria: ACMG Guidelines, 2015. Collection method: research. Allele origin: germline. Affected: yes. Observed: 2 variant alleles. Not counted in ClinVar's aggregate classification.

Consortium of Investigators of Modifiers of BRCA1/2 (CIMBA), c/o University of Cambridge
Classification: Pathogenic for Breast-ovarian cancer, familial, susceptibility to, 1. Last evaluated: 2015-10-02. Review status: criteria provided, single submitter. Criteria: CIMBA Mutation Classification guidelines May 2016. Collection method: clinical testing. Allele origin: germline. Not counted in ClinVar's aggregate classification.

Juno Genomics, Hangzhou Juno Genomics, Inc
Classification: Pathogenic for Breast-ovarian cancer, familial, susceptibility to, 1. Review status: criteria provided, single submitter. Criteria: ACMG Guidelines, 2015. Collection method: clinical testing. Allele origin: germline. Not counted in ClinVar's aggregate classification.
Comment: Absent from controls (or at extremely low frequency if recessive) in Genome Aggregation Database.;Null variant in a gene where loss of function (LOF) is a known mechanism of disease.;Novel missense change at an amino acid residue where a different missense change determined to be pathogenic has been seen before.

Counsyl
Classification: Pathogenic for Breast-ovarian cancer, familial, susceptibility to, 1. Last evaluated: 2016-12-05. Review status: no assertion criteria provided. Collection method: clinical testing. Allele origin: unknown. Not counted in ClinVar's aggregate classification.

Research Molecular Genetics Laboratory, Women's College Hospital, University of Toronto
Classification: Pathogenic for Hereditary breast ovarian cancer syndrome. Last evaluated: 2014-01-31. Review status: no assertion criteria provided. Collection method: research. Allele origin: germline. Affected: yes. Study: The Canadian Open Genetics Repository (COGR). Not counted in ClinVar's aggregate classification.

Sharing Clinical Reports Project (SCRP)
Classification: Pathogenic for Breast-ovarian cancer, familial 1. Last evaluated: 2006-07-18. Review status: no assertion criteria provided. Collection method: clinical testing. Allele origin: germline. Not counted in ClinVar's aggregate classification.

Breast Cancer Information Core (BIC) (BRCA1)
Classification: Pathogenic for Breast-ovarian cancer, familial 1. Last evaluated: 2003-12-23. Review status: no assertion criteria provided. Collection method: clinical testing. Allele origin: germline. Affected: yes. Observed: 2 variant alleles. Not counted in ClinVar's aggregate classification.

Literature cited by the submitters: PubMed 20104584 (cited by Labcorp Genetics (formerly Invitae), Labcorp); PubMed 18006916 (cited by Labcorp Genetics (formerly Invitae), Labcorp and Ambry Genetics); PubMed 22776961 (cited by Labcorp Genetics (formerly Invitae), Labcorp and Ambry Genetics); PubMed 25480878 (cited by Labcorp Genetics (formerly Invitae), Labcorp and Counsyl); PubMed 26221963 (cited by Labcorp Genetics (formerly Invitae), Labcorp and Counsyl); PubMed 26402875 (cited by 3 submitters); PubMed 27257965 (cited by Labcorp Genetics (formerly Invitae), Labcorp and Laboratory of Molecular Diagnosis of Cancer, West China Hospital, Sichuan University); PubMed 28294317 (cited by Labcorp Genetics (formerly Invitae), Labcorp); PubMed 28724667 (cited by Labcorp Genetics (formerly Invitae), Labcorp and Ambry Genetics); PubMed 33471991 (cited by Quest Diagnostics Nichols Institute San Juan Capistrano); PubMed 30972954 (cited by Quest Diagnostics Nichols Institute San Juan Capistrano); PubMed 32879886 (cited by Quest Diagnostics Nichols Institute San Juan Capistrano); PubMed 33194720 (cited by Quest Diagnostics Nichols Institute San Juan Capistrano); PubMed 29805665 (cited by Quest Diagnostics Nichols Institute San Juan Capistrano); PubMed 33850850 (cited by Quest Diagnostics Nichols Institute San Juan Capistrano); PubMed 30309222 (cited by Quest Diagnostics Nichols Institute San Juan Capistrano and Ambry Genetics); PubMed 27393621 (cited by Ambry Genetics); PubMed 28176296 (cited by Ambry Genetics); PubMed 21523855 (cited by Counsyl).

NM_007294.4(BRCA1):c.4801A>T (p.Lys1601Ter)

Gene: BRCA1 (BRCA1 DNA repair associated; minus strand). Cytogenetic location: 17q21.31.
Variant type: single nucleotide variant.
Coding change: c.4801A>T on transcript NM_007294.4 (MANE Select); coding-DNA position 4801, A replaced by T.
Protein change: p.Lys1601Ter; replaces lysine 1601 with a stop codon.
Molecular consequence: nonsense. On other transcripts: non-coding transcript variant (1).
Genome position (GRCh38, 1-based): chr17:43,071,113, T>A on the plus strand (A>T on the coding strand, the complement: BRCA1 is on the minus strand). VCF-style: chr17-43071113-T-A. GRCh37 (hg19) VCF-style: chr17-41223130-T-A.
Other names: 4920A>T; c.4723A>T, p.Lys1575Ter (NM_001407653.1, NM_001407654.1, NM_001407655.1); c.4720A>T, p.Lys1574Ter (NM_001407656.1, NM_001407657.1, NM_001407658.1); c.4717A>T, p.Lys1573Ter (NM_001407659.1, NM_001407660.1, NM_001407661.1 and 2 more transcripts); c.4675A>T, p.Lys1559Ter (NM_001407670.1, NM_001407671.1, NM_001407672.1 and 11 more transcripts); c.4672A>T, p.Lys1558Ter (NM_001407689.1, NM_001407681.1, NM_001407682.1 and 6 more transcripts); c.4669A>T, p.Lys1557Ter (NM_001407690.1, NM_001407691.1); c.4660A>T, p.Lys1554Ter (NM_001407692.1, NM_001407694.1, NM_001407695.1 and 13 more transcripts); and 71 more; short protein forms K1601*, K1622*, K497*, K1554*, K1304*, K1432*, K1488*, K1511*.
Identifiers: ClinVar variation 55290 (VCV000055290.22), dbSNP rs80357303, ClinGen allele CA003028.